The following is an entry in ClinVar:

NM_001287.6(CLCN7):c.2075T>C (p.Val692Ala)

Gene: CLCN7 (chloride voltage-gated channel 7; minus strand). Cytogenetic location: 16p13.3.
Variant type: single nucleotide variant.
Coding change: c.2075T>C on transcript NM_001287.6 (MANE Select); coding-DNA position 2075, T replaced by C.
Protein change: p.Val692Ala; replaces valine 692 with alanine.
Molecular consequence: missense variant.
Genome position (GRCh38, 1-based): chr16:1,447,567, A>G on the plus strand (T>C on the coding strand, the complement: CLCN7 is on the minus strand). VCF-style: chr16-1447567-A-G. GRCh37 (hg19) VCF-style: chr16-1497568-A-G.
Other names: c.2003T>C, p.Val668Ala (NM_001114331.3); short protein forms V668A, V692A.
Identifiers: ClinVar variation 1718879 (VCV001718879.5), dbSNP rs2505812771, ClinGen allele CA394185822.

ClinVar aggregate classification (germline): Uncertain significance (1 of 4 stars; one submission).

Submission:

Labcorp Genetics (formerly Invitae), Labcorp
Classification: Uncertain significance. Last evaluated: 2024-10-24. Review status: criteria provided, single submitter. Criteria: Invitae Variant Classification Sherloc (09022015). Collection method: clinical testing. Allele origin: germline.
Comment: This sequence change replaces valine, which is neutral and non-polar, with alanine, which is neutral and non-polar, at codon 692 of the CLCN7 protein (p.Val692Ala). This variant is not present in population databases (gnomAD no frequency). This variant has not been reported in the literature in individuals affected with CLCN7-related conditions. ClinVar contains an entry for this variant (Variation ID: 1718879). An algorithm developed to predict the effect of missense changes on protein structure and function (PolyPhen-2) suggests that this variant is likely to be tolerated. In summary, the available evidence is currently insufficient to determine the role of this variant in disease. Therefore, it has been classified as a Variant of Uncertain Significance.